The following is an entry in ClinVar:

ClinVar aggregate classification (germline): Pathogenic (0 of 4 stars; one submission).

Conditions:
Autosomal recessive nonsyndromic hearing loss 35. Identifiers: Orphanet 90636, MedGen C1837857, MONDO:0012060, OMIM 608565.

Submission:

Ebn Sina Genetics Laboratory
Classification: Pathogenic for Autosomal recessive nonsyndromic hearing loss 35. Review status: no assertion criteria provided. Collection method: clinical testing. Allele origin: inherited. Inheritance: Autosomal recessive inheritance. Affected: yes. Observed: 1 variant allele, 1 heterozygote.
Comment: The p.G167R variant in ESRRB has been reported in Iranian affected individuals of Azeri Turkish ethnicity, whose parents had a consanguineous marriage. In this report, sequence analysis of the ESRRB gene showed c.499G>A mutation as the first variation of ESRRB gene in Iranian ethnicity and was absent from large population studies (1000 genome, ESP, ExAC). c.499G>A is a missense mutation in exon 5 of the ESRRB gene that causes substitution of glycine by arginine in 167 amino acids of ESRRB coded protein. In addition, in silico analysis of c.499G>A variant in PolyPhen2, SIFT, FATHMM, MutationAssessor, MutationTaster, LOFtool, MetaSVM, LRT and GERP++ database introduced it as a damaging variant. Besides based on ACMG Guidelines this variation can be categorized as pathogenic because it is a novel missense variant (PM5) located in a functional domain (PM1), in addition, it is absent in controls (PM2) and is co-segregating in the pedigree (PP1). Molecular modeling prediction revealed that the substitution of an aspartic acid by a glycine residue leads to a large side chain which may increase inappropriate interaction between residues and it seems possibly decreased stability and disrupted the 3D structure of the protein, therefore abnormal protein in the cells might result in not function properly. Furthermore, multiple sequence alignment of human ESRRB protein across the other species showed that the downstream residues are conserved and any change may have deleterious effects on the function of ESRRB. Therefore the p.G167R variant meets our criteria to be classified as pathogenic based on what was mentioned above.

Literature cited by the submitters: DOI 10.1016/j.ajhg.2007.09.008.

NM_001379180.1(ESRRB):c.562G>A (p.Gly188Arg)

Gene: ESRRB (estrogen related receptor beta; plus strand). Cytogenetic location: 14q24.3.
Variant type: single nucleotide variant.
Coding change: c.562G>A on transcript NM_001379180.1 (MANE Select); coding-DNA position 562, G replaced by A.
Protein change: p.Gly188Arg; replaces glycine 188 with arginine.
Molecular consequence: missense variant.
Genome position (GRCh38, 1-based): chr14:76,462,646, G>A. VCF-style: chr14-76462646-G-A. GRCh37 (hg19) VCF-style: chr14-76928989-G-A.
Other names: c.499G>A, p.Gly167Arg (NM_004452.4); short protein forms G167R, G188R.
Identifiers: ClinVar variation 1174538 (VCV001174538.2), dbSNP rs1555342141, ClinGen allele CA390476949.
Genomic context (GRCh38, chr14:76,462,646, plus strand): 5'-ATCACCAAACGGAGGCGCAAGTCCTGCCAGGCCTGCCGCTTCATGAAATGCCTCAAAGTG[G>A]GGATGCTGAAGGAAGGTAAGAGACCCCACCGAGTCGGGGTTCACTGTGAGGCTCTGCTTG-3'
Protein context (NP_001366109.1, residues 178-198): ACRFMKCLKV[Gly188Arg]MLKEGVRLDR